The following is an entry in ClinVar:

ClinVar aggregate classification (germline): Pathogenic (1 of 4 stars; one submission).

Conditions:
Bardet-Biedl syndrome (BBS). Identifiers: Orphanet 110, MedGen C0752166, MONDO:0015229.

Submission:

Labcorp Genetics (formerly Invitae), Labcorp
Classification: Pathogenic for Bardet-Biedl syndrome. Last evaluated: 2022-05-10. Review status: criteria provided, single submitter. Criteria: Invitae Variant Classification Sherloc (09022015). Collection method: clinical testing. Allele origin: germline.
Comment: This sequence change creates a premature translational stop signal (p.Gln409Asnfs*22) in the BBS10 gene. While this is not anticipated to result in nonsense mediated decay, it is expected to disrupt the last 315 amino acid(s) of the BBS10 protein. This variant is not present in population databases (gnomAD no frequency). This variant has not been reported in the literature in individuals affected with BBS10-related conditions. This variant disrupts a region of the BBS10 protein in which other variant(s) (p.Val707*) have been determined to be pathogenic (PMID: 20472660, 22773737, 25982971, 27486776). This suggests that this is a clinically significant region of the protein, and that variants that disrupt it are likely to be disease-causing. For these reasons, this variant has been classified as Pathogenic.

Literature cited by the submitters: PubMed 20472660; PubMed 22773737; PubMed 25982971; PubMed 27486776.

NM_024685.4(BBS10):c.1225del (p.Gln409fs)

Gene: BBS10 (Bardet-Biedl syndrome 10; minus strand). Cytogenetic location: 12q21.2.
Variant type: Deletion.
Coding change: c.1225del on transcript NM_024685.4 (MANE Select); coding-DNA position 1225, one base deleted (C; older notation c.1225delC).
Protein change: p.Gln409fs; shifts the reading frame from glutamine 409.
Molecular consequence: frameshift variant.
Genome position (GRCh38, 1-based): chr12:76,346,760, G deleted on the plus strand (C on the coding strand, the reverse complement: BBS10 is on the minus strand). VCF-style (leftmost placement, unchanged base first): chr12-76346759-TG-T. GRCh37 (hg19) VCF-style: chr12-76740539-TG-T.
Other names: short protein forms Q409fs.
Identifiers: ClinVar variation 1992822 (VCV001992822.4), dbSNP rs2540955966, ClinGen allele CA2580086683.